The following is an entry in ClinVar:

ClinVar aggregate classification (germline): Uncertain significance (1 of 4 stars; one submission).

Conditions:
Werner syndrome (WRN). Identifiers: Orphanet 902, MedGen C0043119, MONDO:0010196, OMIM 277700.

Allele frequency attached by ClinVar (database versions not stated): gnomAD exomes 0.00001.

Submission:

Labcorp Genetics (formerly Invitae), Labcorp
Classification: Uncertain significance for Werner syndrome. Last evaluated: 2023-04-03. Review status: criteria provided, single submitter. Criteria: Invitae Variant Classification Sherloc (09022015). Collection method: clinical testing. Allele origin: germline.
Comment: In summary, the available evidence is currently insufficient to determine the role of this variant in disease. Therefore, it has been classified as a Variant of Uncertain Significance. Variants that disrupt the consensus splice site are a relatively common cause of aberrant splicing (PMID: 17576681, 9536098). Algorithms developed to predict the effect of sequence changes on RNA splicing suggest that this variant may disrupt the consensus splice site. ClinVar contains an entry for this variant (Variation ID: 1021465). This variant has not been reported in the literature in individuals affected with WRN-related conditions. This variant is not present in population databases (gnomAD no frequency). This sequence change falls in intron 18 of the WRN gene. It does not directly change the encoded amino acid sequence of the WRN protein. It affects a nucleotide within the consensus splice site.

Literature cited by the submitters: PubMed 17576681; PubMed 9536098.

NM_000553.6(WRN):c.2088+3A>G

Gene: WRN (WRN RecQ like helicase; plus strand). Cytogenetic location: 8p12.
Variant type: single nucleotide variant.
Coding change: c.2088+3A>G on transcript NM_000553.6 (MANE Select); 3 bases into the intron after coding-DNA position 2088, A replaced by G.
Molecular consequence: intron variant.
Genome position (GRCh38, 1-based): chr8:31,100,958, A>G. VCF-style: chr8-31100958-A-G. GRCh37 (hg19) VCF-style: chr8-30958474-A-G.
Identifiers: ClinVar variation 1021465 (VCV001021465.5), dbSNP rs1814203342, ClinGen allele CA2499219248.
Genomic context (GRCh38, chr8:31,100,958, plus strand): 5'-GCATGATTTTAGGGATTCATTCAGGAAGTTGGGCTCCCTAAAGACAGCACTGCCAATGGT[A>G]AGCTTTGCCAAGTCTGATGTCCCGAAATTACATTCTTAATAAGGAGAGCATTCAGGATTG-3'